The following is an entry in ClinVar:

ClinVar aggregate classification (germline): Uncertain significance. Review status: criteria provided, multiple submitters, no conflicts (2 of 4 stars). 2 submissions from 2 submitters: Uncertain significance (2). Last evaluated 2024-05-20.

Conditions:
Inborn genetic diseases. Identifiers: MedGen C0950123, MeSH D030342.

Allele frequency attached by ClinVar (database versions not stated): gnomAD 0.00001; gnomAD exomes 0.00001 and 0.00005; TOPMed 0.00001; ExAC 0.00003.
gnomAD v4.1: 20 of 1,612,542 alleles (0.0012%); highest among the groups gnomAD compares: East Asian, 0.029%; no homozygotes.

Submissions (2):

Ambry Genetics
Classification: Uncertain significance for Inborn genetic diseases. Last evaluated: 2024-05-20. Review status: criteria provided, single submitter. Criteria: Ambry Variant Classification Scheme 2023. Collection method: clinical testing. Allele origin: germline.

Labcorp Genetics (formerly Invitae), Labcorp
Classification: Uncertain significance. Last evaluated: 2021-12-03. Review status: criteria provided, single submitter. Criteria: Invitae Variant Classification Sherloc (09022015). Collection method: clinical testing. Allele origin: germline.
Comment: This sequence change replaces tryptophan, which is neutral and slightly polar, with arginine, which is basic and polar, at codon 256 of the OBSL1 protein (p.Trp256Arg). This variant is present in population databases (rs764310209, gnomAD 0.05%). This variant has not been reported in the literature in individuals affected with OBSL1-related conditions. Algorithms developed to predict the effect of missense changes on protein structure and function are either unavailable or do not agree on the potential impact of this missense change (SIFT: "Tolerated"; PolyPhen-2: "Probably Damaging"; Align-GVGD: "Class C0"). In summary, the available evidence is currently insufficient to determine the role of this variant in disease. Therefore, it has been classified as a Variant of Uncertain Significance.

NM_015311.3(OBSL1):c.766T>C (p.Trp256Arg)

Gene: OBSL1 (obscurin like cytoskeletal adaptor 1; minus strand). Cytogenetic location: 2q35.
Variant type: single nucleotide variant.
Coding change: c.766T>C on transcript NM_015311.3 (MANE Select); coding-DNA position 766, T replaced by C.
Protein change: p.Trp256Arg; replaces tryptophan 256 with arginine.
Molecular consequence: missense variant.
Genome position (GRCh38, 1-based): chr2:219,570,467, A>G on the plus strand (T>C on the coding strand, the complement: OBSL1 is on the minus strand). VCF-style: chr2-219570467-A-G. GRCh37 (hg19) VCF-style: chr2-220435189-A-G.
Other names: c.766T>C, p.Trp256Arg (NM_001173408.2, NM_001173431.2); c.766T>C (NM_015311.2); short protein forms W256R.
Identifiers: ClinVar variation 1426184 (VCV001426184.4), dbSNP rs764310209, ClinGen allele CA2131737.